The following is an entry in ClinVar:

ClinVar aggregate classification (germline): Benign/Likely benign. Review status: criteria provided, multiple submitters, no conflicts (2 of 4 stars). 5 submissions from 5 submitters: Benign (2); Likely benign (3). Last evaluated 2025-11-17.

Conditions:
Developmental and epileptic encephalopathy, 36 (DEE36). Also called: Congenital disorder of glycosylation, type Is; Epileptic encephalopathy, early infantile, 36; ALG13-CDG. Identifiers: Orphanet 324422, MedGen C4317295, MONDO:0010472, OMIM 300884.

Submissions (5):

Labcorp Genetics (formerly Invitae), Labcorp
Classification: Benign for Developmental and epileptic encephalopathy, 36. Last evaluated: 2025-11-17. Review status: criteria provided, single submitter. Criteria: Invitae Variant Classification Sherloc (09022015). Collection method: clinical testing. Allele origin: germline.

Blueprint Genetics
Classification: Likely benign. Last evaluated: 2024-02-14. Review status: criteria provided, single submitter. Criteria: ACMG Guidelines, 2015. Collection method: clinical testing. Allele origin: germline.

Genome-Nilou Lab
Classification: Benign for Developmental and epileptic encephalopathy, 36. Last evaluated: 2021-12-05. Review status: criteria provided, single submitter. Criteria: ACMG Guidelines, 2015. Collection method: clinical testing. Allele origin: germline. Affected: no.

Fulgent Genetics
Classification: Likely benign for Developmental and epileptic encephalopathy, 36. Last evaluated: 2021-09-23. Review status: criteria provided, single submitter. Criteria: ACMG Guidelines, 2015. Collection method: clinical testing. Allele origin: unknown.

GeneDx
Classification: Likely benign. Last evaluated: 2016-12-27. Review status: criteria provided, single submitter. Criteria: GeneDx Variant Classification (06012015). Collection method: clinical testing. Allele origin: germline. Affected: yes.
Comment: This variant is considered likely benign or benign based on one or more of the following criteria: it is a conservative change, it occurs at a poorly conserved position in the protein, it is predicted to be benign by multiple in silico algorithms, and/or has population frequency not consistent with disease.

NM_001099922.3(ALG13):c.2457+15_2457+17del

Gene: ALG13 (ALG13 UDP-N-acetylglucosaminyltransferase subunit; plus strand). Cytogenetic location: Xq23.
Variant type: Microsatellite.
Coding change: c.2457+15_2457+17del on transcript NM_001099922.3 (MANE Select); bases 15 to 17 of the intron after coding-DNA position 2457, 3 bases deleted (ATA; older notation c.2457+15_2457+17delATA).
Molecular consequence: intron variant.
Genome position (GRCh38, 1-based): chrX:111,730,595-111,730,597, ATA deleted; deleting any 3 consecutive bases within chrX:111,730,590-111,730,597 gives the same sequence; the c. name uses the placement nearest the transcript's 3' end. VCF-style (leftmost placement, unchanged base first): chrX-111730589-TTAA-T. GRCh37 (hg19) VCF-style: chrX-110973817-TTAA-T.
Other names: c.2145+15_2145+17del (NM_001257237.2, NM_001257234.2, NM_001257230.2); c.1971+15_1971+17del (NM_001324293.1); c.2223+15_2223+17del (NM_001257231.2); c.2457+15_2457+17del (NM_001324292.2); c.2457+15_2457+17delATA (NM_001099922.2).
Identifiers: ClinVar variation 422878 (VCV000422878.13), dbSNP rs761459857, ClinGen allele CA10493896.